The following is an entry in ClinVar:

ClinVar aggregate classification (germline): Uncertain significance (1 of 4 stars; one submission).

Allele frequency attached by ClinVar (database versions not stated): ExAC 0.00002; gnomAD 0.00004; TOPMed 0.00006; ESP Exome Variant Server 0.00023.
gnomAD v4.1: 9 of 1,613,972 alleles (0.00056%); highest among the groups gnomAD compares: African/African-American, 0.012%; no homozygotes.

Submission:

Labcorp Genetics (formerly Invitae), Labcorp
Classification: Uncertain significance. Last evaluated: 2022-07-06. Review status: criteria provided, single submitter. Criteria: Invitae Variant Classification Sherloc (09022015). Collection method: clinical testing. Allele origin: germline.
Comment: In summary, the available evidence is currently insufficient to determine the role of this variant in disease. Therefore, it has been classified as a Variant of Uncertain Significance. Algorithms developed to predict the effect of missense changes on protein structure and function output the following: SIFT: "Tolerated"; PolyPhen-2: "Benign"; Align-GVGD: "Class C0". The arginine amino acid residue is found in multiple mammalian species, which suggests that this missense change does not adversely affect protein function. This variant has not been reported in the literature in individuals affected with KANK1-related conditions. This variant is present in population databases (rs368227295, gnomAD 0.02%). This sequence change replaces cysteine, which is neutral and slightly polar, with arginine, which is basic and polar, at codon 589 of the KANK1 protein (p.Cys589Arg).

NM_015158.5(KANK1):c.1765T>C (p.Cys589Arg)

Gene: KANK1 (KN motif and ankyrin repeat domains 1; plus strand). Cytogenetic location: 9p24.3.
Variant type: single nucleotide variant.
Coding change: c.1765T>C on transcript NM_015158.5 (MANE Select); coding-DNA position 1765, T replaced by C.
Protein change: p.Cys589Arg; replaces cysteine 589 with arginine.
Molecular consequence: missense variant. On other transcripts: non-coding transcript variant (1).
Genome position (GRCh38, 1-based): chr9:712,531, T>C. VCF-style: chr9-712531-T-C. GRCh37 (hg19) VCF-style: chr9-712531-T-C.
Other names: c.1291T>C, p.Cys431Arg (NM_001354338.2, NM_001354339.2, NM_001354340.2 and 9 more transcripts); c.1765T>C, p.Cys589Arg (NM_001256876.3, NM_001256877.3, NM_001354331.2 and 2 more transcripts); short protein forms C431R, C589R.
Identifiers: ClinVar variation 1921993 (VCV001921993.5), dbSNP rs368227295, ClinGen allele CA4960311.
Genomic context (GRCh38, chr9:712,531, plus strand): 5'-TGGATTGTTAAGGAGAGGGTGGAAATGCATGACCGATGTGCTGGGAGGTCTGTGGAAATG[T>C]GTGACAAGAGTGTGAGTGTGGAAGTCAGCGTCTGCGAAACAGGCAGCAACACAGAGGAGT-3'
Protein context (NP_055973.2, residues 579-599): DRCAGRSVEM[Cys589Arg]DKSVSVEVSV